The following is an entry in ClinVar:

ClinVar aggregate classification (germline): Conflicting classifications of pathogenicity. Review status: criteria provided, conflicting classifications (1 of 4 stars). 2 submissions from 2 submitters: Uncertain significance (1); Likely benign (1). Last evaluated 2026-06-30.

Conditions:
GNAS-related disorder. Identifiers: MedGen CN380105.

Allele frequency attached by ClinVar (database versions not stated): TOPMed 0.00005.
gnomAD v4.1: 46 of 1,563,424 alleles (0.0029%); highest among the groups gnomAD compares: South Asian, 0.0057%; no homozygotes.

Submissions (2):

PreventionGenetics, part of Exact Sciences
Classification: Uncertain significance for GNAS-related condition. Last evaluated: 2026-06-30. Review status: criteria provided, single submitter. Criteria: ACMG Guidelines, 2015. Collection method: clinical testing. Allele origin: germline.
Comment: The GNAS c.1276G>A variant is predicted to result in the amino acid substitution p.Ala426Thr. This variant is also referred to as c.-37186G>A (pre-coding) with the more commonly reported isoform, NM_000516. To our knowledge, this variant has not been reported in the literature. This variant is reported in 0.0062% of alleles in individuals of European (Non-Finnish) descent in gnomAD. At this time, the clinical significance of this variant is uncertain due to the absence of conclusive functional and genetic evidence.

Blueprint Genetics
Classification: Likely benign. Last evaluated: 2023-01-03. Review status: criteria provided, single submitter. Criteria: ACMG Guidelines, 2015. Collection method: clinical testing. Allele origin: germline.

NM_080425.4(GNAS):c.1276G>A (p.Ala426Thr)

Gene: GNAS (GNAS complex locus; plus strand). Cytogenetic location: 20q13.32.
Variant type: single nucleotide variant.
Coding change: c.1276G>A on transcript NM_080425.4 (MANE Plus Clinical); coding-DNA position 1276, G replaced by A.
Protein change: p.Ala426Thr; replaces alanine 426 with threonine.
Molecular consequence: missense variant. On other transcripts: synonymous variant (2), intron variant (3).
Genome position (GRCh38, 1-based): chr20:58,854,541, G>A. VCF-style: chr20-58854541-G-A. GRCh37 (hg19) VCF-style: chr20-57429596-G-A.
Other names: c.1089G>A, p.Ser363= (NM_001077490.3, NM_001309883.1); c.1276G>A, p.Ala426Thr (NM_001410913.1); c.*42+13655G>A (NM_016592.5); c.43+13655G>A (NM_001410912.1); c.-39+12666G>A (NM_001309861.2); short protein forms A426T.
Identifiers: ClinVar variation 3049471 (VCV003049471.4), dbSNP rs767104257, ClinGen allele CA9926661.
Genomic context (GRCh38, chr20:58,854,541, plus strand): 5'-GCAACCCCAGAAGATCCCGACTCCGGGACAGCACCAGCCGATCCTGACTCCGGGGCATTC[G>A]CAGCCGATCCCGACTCCGGGGCAGCCCCTGCCGCCCCAGCCGATCCCGACTCCGGGGCGG-3'
Protein context (NP_536350.2, residues 416-436): APADPDSGAF[Ala426Thr]ADPDSGAAPA